The following is an entry in ClinVar:

ClinVar aggregate classification (germline): Pathogenic. Review status: criteria provided, multiple submitters, no conflicts (2 of 4 stars). 2 submissions from 2 submitters: Pathogenic (2). Last evaluated 2026-02-09.

Conditions:
Long QT syndrome 1 (LQT1). Identifiers: Orphanet 101016, Orphanet 768, MedGen C4551647, MONDO:0100316, OMIM 192500, MONDO:0008646.

Submissions (2):

GeneDx
Classification: Pathogenic. Last evaluated: 2026-02-09. Review status: criteria provided, single submitter. Criteria: GeneDx Variant Classification Process June 2021. Collection method: clinical testing. Allele origin: germline. Affected: yes.
Comment: In silico analysis supports that this missense variant has a deleterious effect on protein structure/function; Not observed at significant frequency in large population cohorts (gnomAD); Has not been previously published as pathogenic or benign to our knowledge; This variant is associated with the following publications: (PMID: 19618328)

Molecular Genetics Laboratory - Cardiogenetics, CHU de Nantes
Classification: Pathogenic for Long QT syndrome 1. Last evaluated: 2023-08-01. Review status: criteria provided, single submitter. Criteria: ACMG Guidelines, 2015. Collection method: clinical testing. Allele origin: germline. Affected: yes.

NM_000218.3(KCNQ1):c.691C>A (p.Arg231Ser)

Gene: KCNQ1 (potassium voltage-gated channel subfamily Q member 1; plus strand). Cytogenetic location: 11p15.5.
Variant type: single nucleotide variant.
Coding change: c.691C>A on transcript NM_000218.3 (MANE Select); coding-DNA position 691, C replaced by A.
Protein change: p.Arg231Ser; replaces arginine 231 with serine.
Molecular consequence: missense variant.
Genome position (GRCh38, 1-based): chr11:2,572,020, C>A. VCF-style: chr11-2572020-C-A. GRCh37 (hg19) VCF-style: chr11-2593250-C-A.
Other names: c.691C>A, p.Arg231Ser (NM_001406836.1); c.421C>A, p.Arg141Ser (NM_001406837.1); c.310C>A, p.Arg104Ser (NM_181798.2); short protein forms R104S, R231S, R141S.
Identifiers: ClinVar variation 280173 (VCV000280173.7), dbSNP rs199473457, ClinGen allele CA10603201.
Genomic context (GRCh38, chr11:2,572,020, plus strand): 5'-TGAACAGCTGAGCCCAGCCTGGCTCCCTCAGCCCCACACCATCTCCTTCGCAGGGGCATC[C>A]GCTTCCTGCAGATCCTGAGGATGCTACACGTCGACCGCCAGGGAGGCACCTGGAGGCTCC-3'
Protein context (NP_000209.2, residues 221-241): VFATSAIRGI[Arg231Ser]FLQILRMLHV